The following is an entry in ClinVar:

NM_005343.4(HRAS):c.451-282C>T

Genes: HRAS (HRas proto-oncogene, GTPase; minus strand), LRRC56 (leucine rich repeat containing 56; plus strand). Cytogenetic location: 11p15.5.
Variant type: single nucleotide variant.
Coding change: c.451-282C>T on transcript NM_005343.4 (MANE Select); 282 bases into the intron before coding-DNA position 451, C replaced by T.
Molecular consequence: intron variant.
Genome position (GRCh38, 1-based): chr11:533,037, G>A on the plus strand (C>T on the coding strand, the complement: HRAS is on the minus strand). VCF-style: chr11-533037-G-A. GRCh37 (hg19) VCF-style: chr11-533037-G-A.
Other names: c.451-282C>T (NM_001130442.3); c.213+240C>T (NM_001318054.2); c.*19+240C>T (NM_176795.5).
Identifiers: ClinVar variation 561855 (VCV000561855.1), dbSNP rs45626636, ClinGen allele CA13405265.

ClinVar aggregate classification (germline): Benign (1 of 4 stars; one submission).

Allele frequency attached by ClinVar (database versions not stated): 1000 Genomes Project 0.12580; 1000 Genomes Project 30x 0.12851; gnomAD 0.13873 and 0.14486; TOPMed 0.14681.
gnomAD v4.1: 21,026 of 152,200 alleles (14%); highest among the groups gnomAD compares: African/African-American, 27%; 1,987 homozygotes.

Submission:

GeneDx
Classification: Benign. Last evaluated: 2018-06-19. Review status: criteria provided, single submitter. Criteria: GeneDx Variant Classification (06012015). Collection method: clinical testing. Allele origin: germline. Affected: yes.
Comment: This variant is considered likely benign or benign based on one or more of the following criteria: it is a conservative change, it occurs at a poorly conserved position in the protein, it is predicted to be benign by multiple in silico algorithms, and/or has population frequency not consistent with disease.